The following is an entry in ClinVar:

ClinVar aggregate classification (germline): Uncertain significance (1 of 4 stars; one submission).

gnomAD v4.1: 1 of 1,614,002 alleles (0.000062%); highest among the groups gnomAD compares: African/African-American, 0.0013%; no homozygotes.

Submission:

GeneDx
Classification: Uncertain significance. Last evaluated: 2024-05-23. Review status: criteria provided, single submitter. Criteria: GeneDx Variant Classification Process June 2021. Collection method: clinical testing. Allele origin: germline. Affected: yes.
Comment: Not observed at significant frequency in large population cohorts (gnomAD); In silico analysis supports that this missense variant has a deleterious effect on protein structure/function; Has not been previously published as pathogenic or benign to our knowledge

NM_005529.7(HSPG2):c.2303G>A (p.Gly768Asp)

Gene: HSPG2 (heparan sulfate proteoglycan 2; minus strand). Cytogenetic location: 1p36.12.
Variant type: single nucleotide variant.
Coding change: c.2303G>A on transcript NM_005529.7 (MANE Select); coding-DNA position 2303, G replaced by A.
Protein change: p.Gly768Asp; replaces glycine 768 with aspartic acid.
Molecular consequence: missense variant.
Genome position (GRCh38, 1-based): chr1:21,880,147, C>T on the plus strand (G>A on the coding strand, the complement: HSPG2 is on the minus strand). VCF-style: chr1-21880147-C-T. GRCh37 (hg19) VCF-style: chr1-22206640-C-T.
Other names: c.2306G>A, p.Gly769Asp (NM_001291860.2); short protein forms G768D, G769D.
Identifiers: ClinVar variation 3383554 (VCV003383554.1).